The following is an entry in ClinVar:

ClinVar aggregate classification (germline): Conflicting classifications of pathogenicity. Review status: criteria provided, conflicting classifications (1 of 4 stars). 6 submissions from 4 submitters: Uncertain significance (3); Likely benign (3). Last evaluated 2025-12-10.

Conditions:
RYR1-related disorder. Also called: RYR1-related condition; RYR1-related disorders. Identifiers: MedGen CN239331.
Congenital multicore myopathy with external ophthalmoplegia (CMYO1B). Also called: MULTICORE MYOPATHY; Minicore myopathy with external ophthalmoplegia; Congenital myopathy 1B, autosomal recessive; Minicore myopathy; MULTIMINICORE DISEASE WITH EXTERNAL OPHTHALMOPLEGIA. Identifiers: Orphanet 598, Orphanet 98905, MedGen C1850674, MONDO:0009712, OMIM 255320, HP:0003789.
Central core myopathy (CMYO1A). Also called: Central core disease; Myopathy, central fibrillar; CONGENITAL MYOPATHY 1A, AUTOSOMAL DOMINANT, WITH SUSCEPTIBILITY TO MALIGNANT HYPERTHERMIA. Identifiers: Orphanet 597, MedGen C5830701, MONDO:0007294, OMIM 117000.
Malignant hyperthermia, susceptibility to, 1 (MHS1). Also called: Anesthesia related hyperthermia; Malignant hyperpyrexia; Fulminating hyperpyrexia; Pharmacogenic myopathy; RYR1-Related Malignant Hyperthermia Susceptibility; Malignant hyperthermia suceptibility 1. Identifiers: Orphanet 423, MedGen C2930980, MONDO:0007783, OMIM 145600.

Allele frequency attached by ClinVar (database versions not stated): gnomAD 0.00013; TOPMed 0.00013; ESP Exome Variant Server 0.00031.
gnomAD v4.1: 88 of 1,614,144 alleles (0.0055%); highest among the groups gnomAD compares: Middle Eastern, 0.033%; 1 homozygote.

Submissions (6):

Labcorp Genetics (formerly Invitae), Labcorp
Classification: Likely benign for RYR1-related disorder. Last evaluated: 2025-12-10. Review status: criteria provided, single submitter. Criteria: Invitae Variant Classification Sherloc (09022015). Collection method: clinical testing. Allele origin: germline.

Mayo Clinic Laboratories, Mayo Clinic
Classification: Likely benign. Last evaluated: 2025-09-19. Review status: criteria provided, single submitter. Criteria: ACMG Guidelines, 2015. Collection method: clinical testing. Allele origin: germline. Observed: 1 variant allele.
Comment: BP4, BP7

Color Diagnostics, LLC DBA Color Health
Classification: Likely benign for Malignant hyperthermia, susceptibility to, 1. Last evaluated: 2022-11-06. Review status: criteria provided, single submitter. Criteria: ACMG Guidelines, 2015. Collection method: clinical testing. Allele origin: germline.

Illumina Laboratory Services, Illumina
Classification: Uncertain significance for Central core myopathy. Last evaluated: 2018-01-12. Review status: criteria provided, single submitter. Criteria: ICSL Variant Classification Criteria 13 December 2019. Collection method: clinical testing. Allele origin: germline.

Illumina Laboratory Services, Illumina
Classification: Uncertain significance for Malignant hyperthermia, susceptibility to, 1. Last evaluated: 2018-01-12. Review status: criteria provided, single submitter. Criteria: ICSL Variant Classification Criteria 13 December 2019. Collection method: clinical testing. Allele origin: germline.

Illumina Laboratory Services, Illumina
Classification: Uncertain significance for Congenital multicore myopathy with external ophthalmoplegia. Last evaluated: 2018-01-12. Review status: criteria provided, single submitter. Criteria: ICSL Variant Classification Criteria 13 December 2019. Collection method: clinical testing. Allele origin: germline.

NM_000540.3(RYR1):c.8079G>A (p.Pro2693=)

Gene: RYR1 (ryanodine receptor 1; plus strand). Cytogenetic location: 19q13.2.
Variant type: single nucleotide variant.
Coding change: c.8079G>A on transcript NM_000540.3 (MANE Select); coding-DNA position 8079, G replaced by A.
Protein change: p.Pro2693=; no amino-acid change (proline 2693 retained).
Molecular consequence: synonymous variant.
Genome position (GRCh38, 1-based): chr19:38,504,759, G>A. VCF-style: chr19-38504759-G-A. GRCh37 (hg19) VCF-style: chr19-38995399-G-A.
Other names: p.Pro2693=; c.8079G>A, p.Pro2693= (NM_001042723.2).
Identifiers: ClinVar variation 329075 (VCV000329075.17), dbSNP rs368063600, ClinGen allele CA071456.